The following is an entry in ClinVar:

ClinVar aggregate classification (germline): Pathogenic. Review status: criteria provided, multiple submitters, no conflicts (2 of 4 stars). 2 submissions from 2 submitters: Pathogenic (2). Last evaluated 2025-10-01.

Submissions (2):

Labcorp Genetics (formerly Invitae), Labcorp
Classification: Pathogenic. Last evaluated: 2025-10-01. Review status: criteria provided, single submitter. Criteria: Invitae Variant Classification Sherloc (09022015). Collection method: clinical testing. Allele origin: germline.
Comment: This sequence change replaces cysteine, which is neutral and slightly polar, with arginine, which is basic and polar, at codon 194 of the NOTCH3 protein (p.Cys194Arg). This variant is not present in population databases (gnomAD no frequency). This missense change has been observed in individuals with CADASIL (PMID: 28710804, 31798751, 36086804). ClinVar contains an entry for this variant (Variation ID: 585612). Invitae Evidence Modeling of protein sequence and biophysical properties (such as structural, functional, and spatial information, amino acid conservation, physicochemical variation, residue mobility, and thermodynamic stability) indicates that this missense variant is expected to disrupt NOTCH3 protein function with a positive predictive value of 95%. This variant disrupts the p.Cys194 amino acid residue in NOTCH3. Other variant(s) that disrupt this residue have been observed in individuals with NOTCH3-related conditions (PMID: 25623805, 29980472), which suggests that this may be a clinically significant amino acid residue. For these reasons, this variant has been classified as Pathogenic.

Athena Diagnostics
Classification: Pathogenic. Last evaluated: 2022-05-31. Review status: criteria provided, single submitter. Criteria: Athena Diagnostics Criteria. Collection method: clinical testing. Allele origin: unknown.
Comment: This variant has been identified in at least one individual with clinical features associated with cerebral arteriopathy with subcortical infarcts and leukoencephalopathy (CADASIL). This variant has not been reported in large, multi-ethnic general populations. This variant alters a critical location within the protein, and is expected to severely affect function and cause disease. Greater than 90% of pathogenic variants identified in NOTCH3 involve the gain or loss of a cysteine residue within the epidermal growth factor (EGF)-like repeat domain.

Literature cited by the submitters: PubMed 28710804 (cited by Labcorp Genetics (formerly Invitae), Labcorp and Athena Diagnostics); PubMed 31798751 (cited by Labcorp Genetics (formerly Invitae), Labcorp and Athena Diagnostics); PubMed 36086804 (cited by Labcorp Genetics (formerly Invitae), Labcorp); PubMed 25623805 (cited by Labcorp Genetics (formerly Invitae), Labcorp); PubMed 29980472 (cited by Labcorp Genetics (formerly Invitae), Labcorp); PubMed 12146805 (cited by Athena Diagnostics).

NM_000435.3(NOTCH3):c.580T>C (p.Cys194Arg)

Gene: NOTCH3 (notch receptor 3; minus strand). Cytogenetic location: 19p13.12.
Variant type: single nucleotide variant.
Coding change: c.580T>C on transcript NM_000435.3 (MANE Select); coding-DNA position 580, T replaced by C.
Protein change: p.Cys194Arg; replaces cysteine 194 with arginine.
Molecular consequence: missense variant.
Genome position (GRCh38, 1-based): chr19:15,192,059, A>G on the plus strand (T>C on the coding strand, the complement: NOTCH3 is on the minus strand). VCF-style: chr19-15192059-A-G. GRCh37 (hg19) VCF-style: chr19-15302870-A-G.
Other names: short protein forms C194R.
Identifiers: ClinVar variation 585612 (VCV000585612.8), dbSNP rs1568361818, ClinGen allele CA404533472.